The following is an entry in ClinVar:

ClinVar aggregate classification (germline): Benign (1 of 4 stars; one submission).

Conditions:
Paget disease of bone 3. Identifiers: MedGen C4085252, MONDO:0008176, OMIM 167250.

Allele frequency attached by ClinVar (database versions not stated): gnomAD exomes 0.56674 and 0.63303; ESP Exome Variant Server 0.61979; ExAC 0.62624; gnomAD 0.64113 and 0.64148; TOPMed 0.65327; 1000 Genomes Project 0.68790; 1000 Genomes Project 30x 0.69129.
gnomAD v4.1: 927,204 of 1,614,018 alleles (57%); highest among the groups gnomAD compares: East Asian, 79%; 271,582 homozygotes.

Submission:

Illumina Laboratory Services, Illumina
Classification: Benign for Paget disease of bone 3. Last evaluated: 2018-01-12. Review status: criteria provided, single submitter. Criteria: ICSL Variant Classification Criteria 13 December 2019. Collection method: clinical testing. Allele origin: germline.
Comment: This variant was observed in the ICSL laboratory as part of a predisposition screen in an ostensibly healthy population. It had not been previously curated by ICSL or reported in the Human Gene Mutation Database (HGMD: prior to June 1st, 2018), and was therefore a candidate for classification through an automated scoring system. Utilizing variant allele frequency, disease prevalence and penetrance estimates, and inheritance mode, an automated score was calculated to assess if this variant is too frequent to cause the disease. Based on the score and internal cut-off values, a variant classified as benign is not then subjected to further curation. The score for this variant resulted in a classification of benign for this disease.

NM_003900.5(SQSTM1):c.*1138T>C

Genes: MRNIP (MRN complex interacting protein; minus strand), SQSTM1 (sequestosome 1; plus strand). Cytogenetic location: 5q35.3.
Variant type: single nucleotide variant.
Coding change: c.*1138T>C on transcript NM_003900.5 (MANE Select); 1138 bases downstream of the stop codon, T replaced by C.
Molecular consequence: 3 prime UTR variant. On other transcripts: missense variant (2).
Genome position (GRCh38, 1-based): chr5:179,837,731, T>C. VCF-style: chr5-179837731-T-C. GRCh37 (hg19) VCF-style: chr5-179264731-T-C.
Other names: c.527A>G, p.Gln176Arg (NM_001017987.3); c.692A>G, p.Gln231Arg (NM_016175.4); c.*1138T>C (NM_001142298.2, NM_001142299.2); short protein forms Q231R, Q176R.
Identifiers: ClinVar variation 353182 (VCV000353182.5), dbSNP rs10277, ClinGen allele CA3601068.
Genomic context (GRCh38, chr5:179,837,731, plus strand): 5'-TGAAGAGACCTTGGCTGCTCACTGTCCACATGTGAACTTTTTCTAGGTGGCAGGACAAAT[T>C]GCGCCCATTTAGAGGATGTGGCTGTAACCTGCTGGATGGGACTCCATAGCTCCTTCCCAG-3'